The following is an entry in ClinVar:

NM_006767.4(LZTR1):c.2352_2362del (p.Gln784fs)

Gene: LZTR1 (leucine zipper like post translational regulator 1; plus strand). Cytogenetic location: 22q11.21.
Variant type: Deletion.
Coding change: c.2352_2362del on transcript NM_006767.4 (MANE Select); coding-DNA positions 2352 to 2362, 11 bases deleted (GGCACTGGACA).
Protein change: p.Gln784fs; shifts the reading frame from glutamine 784.
Molecular consequence: frameshift variant.
Genome position (GRCh38, 1-based): chr22:20,996,912-20,996,922, GGCACTGGACA deleted; deleting any 11 consecutive bases within chr22:20,996,910-20,996,922 gives the same sequence; the c. name uses the placement nearest the transcript's 3' end. VCF-style (leftmost placement, unchanged base first): chr22-20996909-GCAGGCACTGGA-G. GRCh37 (hg19) VCF-style: chr22-21351198-GCAGGCACTGGA-G.
Other names: c.2352_2362del11 (NM_006767.3); short protein forms Q784fs.
Identifiers: ClinVar variation 1021358 (VCV001021358.9), dbSNP rs751123751, ClinGen allele CA10119373.

ClinVar aggregate classification (germline): Pathogenic. Review status: criteria provided, multiple submitters, no conflicts (2 of 4 stars). 2 submissions from 2 submitters: Pathogenic (2). Last evaluated 2025-11-20.

Conditions:
Hereditary cancer-predisposing syndrome. Also called: Hereditary Cancer Syndrome; Neoplastic Syndromes, Hereditary; Tumor predisposition; Hereditary neoplastic syndrome. Identifiers: Orphanet 140162, MedGen C0027672, MeSH D009386, MONDO:0015356.
Cardiovascular phenotype. Identifiers: MedGen CN230736.

Submissions (2):

Labcorp Genetics (formerly Invitae), Labcorp
Classification: Pathogenic. Last evaluated: 2025-11-20. Review status: criteria provided, single submitter. Criteria: Invitae Variant Classification Sherloc (09022015). Collection method: clinical testing. Allele origin: germline.
Comment: This sequence change is expected to alter the c-terminus of the LZTR1 protein (p.Gln784Hisfs*63). While this is not anticipated to result in nonsense mediated decay, it is expected to disrupt the last 57 amino acid(s) of the LZTR1 protein and extend the protein by 5 additional amino acid residues. This variant is not present in population databases (gnomAD no frequency). This frameshift has been observed in individual(s) with schwannomatosis (PMID: 29384852). ClinVar contains an entry for this variant (Variation ID: 1021358). This variant disrupts a region of the LZTR1 protein in which other variant(s) (p.Leu806Trp) have been determined to be pathogenic (internal data). This suggests that this is a clinically significant region of the protein, and that variants that disrupt it are likely to be disease-causing. For these reasons, this variant has been classified as Pathogenic.

Ambry Genetics
Classification: Pathogenic for Cardiovascular phenotype; Hereditary cancer-predisposing syndrome. Last evaluated: 2025-07-08. Review status: criteria provided, single submitter. Criteria: Ambry Variant Classification Scheme 2023. Collection method: clinical testing. Allele origin: germline.
Comment: The c.2352_2362del11 pathogenic mutation, located in coding exon 20 of the LZTR1 gene, results from a deletion of 11 nucleotides at nucleotide positions 2352 to 2362, causing a translational frameshift with a predicted alternate stop codon (p.Q784Hfs*63). This alteration occurs at the 3' terminus of theLZTR1 gene, is not expected to trigger nonsense-mediated mRNAdecay and results in the elongation of the protein by five amino acids. This frameshift impacts the last 6% of the native protein.. However, frameshifts are typically deleterious in nature, a significant portion of the protein is affected, and the impacted region is critical for protein function (Ambry internal data)]. This variant (designated as c.2350_2360del) was reported in a cohort of patients with schwannomatosis (Jordan JT et al. Medicine (Baltimore), 2018 Feb;97:e9717). Loss-of-function variants in LZTR1 are related to an increased risk for schwannomas and autosomal recessive Noonan syndrome; however, such associations with autosomal dominant Noonan syndrome have not been observed (Piotrowski A et al. Nat Genet. 2014 Feb;46:182-7; Yamamoto GL et al. J Med Genet. 2015 Jun;52:413-21; Johnston JJ et al. Genet Med. 2018 10;20:1175-1185). Based on the supporting evidence, this variant is pathogenic for an increased risk of LZTR1-related schwannomatosis (SWN) and would be expected to cause autosomal recessive Noonan syndrome when present along with a second pathogenic or likely pathogenic variant on the other allele; however, the association of this alteration with autosomal dominant Noonan syndrome is unlikely.

Literature cited by the submitters: PubMed 29384852 (cited by Labcorp Genetics (formerly Invitae), Labcorp and Ambry Genetics).